The following is an entry in ClinVar:

NM_000719.7(CACNA1C):c.618-1G>A

Gene: CACNA1C (calcium voltage-gated channel subunit alpha1 C; plus strand). Cytogenetic location: 12p13.33.
Variant type: single nucleotide variant.
Coding change: c.618-1G>A on transcript NM_000719.7 (MANE Select); the canonical splice acceptor site of the intron before coding-DNA position 618, G replaced by A.
Molecular consequence: splice acceptor variant.
Genome position (GRCh38, 1-based): chr12:2,457,566, G>A. VCF-style: chr12-2457566-G-A. GRCh37 (hg19) VCF-style: chr12-2566732-G-A.
Other names: c.618-1G>A (NM_001167624.3, NM_001167623.2, NM_001167625.2 and 19 more transcripts).
Identifiers: ClinVar variation 3664157 (VCV003664157.2).

ClinVar aggregate classification (germline): Uncertain significance (1 of 4 stars; one submission).

Conditions:
Long QT syndrome (LQTS). Identifiers: MedGen C0023976, MeSH D008133, MONDO:0002442. Disease mechanism: loss of function. Inheritance: Various modes of inheritance.

Submission:

Labcorp Genetics (formerly Invitae), Labcorp
Classification: Uncertain significance for Long QT syndrome. Last evaluated: 2024-09-01. Review status: criteria provided, single submitter. Criteria: Invitae Variant Classification Sherloc (09022015). Collection method: clinical testing. Allele origin: germline.
Comment: This sequence change affects an acceptor splice site in intron 4 of the CACNA1C gene. It is expected to disrupt RNA splicing. Variants that disrupt the donor or acceptor splice site typically lead to a loss of protein function (PMID: 16199547), however the current clinical and genetic evidence is not sufficient to establish whether loss-of-function variants in CACNA1C cause disease. This variant is not present in population databases (gnomAD no frequency). This variant has not been reported in the literature in individuals affected with CACNA1C-related conditions. Algorithms developed to predict the effect of sequence changes on RNA splicing suggest that this variant may disrupt the consensus splice site. In summary, the available evidence is currently insufficient to determine the role of this variant in disease. Therefore, it has been classified as a Variant of Uncertain Significance.

Literature cited by the submitters: PubMed 16199547.